The following is an entry in ClinVar:

NM_003661.4(APOL1):c.1063G>A (p.Glu355Lys)

Gene: APOL1 (apolipoprotein L1; plus strand). Cytogenetic location: 22q12.3.
Variant type: single nucleotide variant.
Coding change: c.1063G>A on transcript NM_003661.4 (MANE Select); coding-DNA position 1063, G replaced by A.
Protein change: p.Glu355Lys; replaces glutamic acid 355 with lysine.
Molecular consequence: missense variant.
Genome position (GRCh38, 1-based): chr22:36,265,899, G>A. VCF-style: chr22-36265899-G-A. GRCh37 (hg19) VCF-style: chr22-36661945-G-A.
Other names: c.1063G>A, p.Glu355Lys (NM_001136540.2); c.1009G>A, p.Glu337Lys (NM_001136541.2, NM_001362927.2); c.1111G>A, p.Glu371Lys (NM_145343.3); short protein forms E337K, E371K, E355K.
Identifiers: ClinVar variation 1387158 (VCV001387158.4), dbSNP rs151114491, ClinGen allele CA10208825.

ClinVar aggregate classification (germline): Uncertain significance (1 of 4 stars; one submission).

Allele frequency attached by ClinVar (database versions not stated): 1000 Genomes Project 30x 0.00016; 1000 Genomes Project 0.00020.
gnomAD v4.1: 284 of 1,614,148 alleles (0.018%); highest among the groups gnomAD compares: South Asian, 0.19%; 2 homozygotes.

Submission:

Labcorp Genetics (formerly Invitae), Labcorp
Classification: Uncertain significance. Last evaluated: 2025-06-20. Review status: criteria provided, single submitter. Criteria: Invitae Variant Classification Sherloc (09022015). Collection method: clinical testing. Allele origin: germline.
Comment: This sequence change replaces glutamic acid, which is acidic and polar, with lysine, which is basic and polar, at codon 355 of the APOL1 protein (p.Glu355Lys). This variant is present in population databases (rs151114491, gnomAD 0.2%). This variant has not been reported in the literature in individuals affected with APOL1-related conditions. ClinVar contains an entry for this variant (Variation ID: 1387158). An algorithm developed to predict the effect of missense changes on protein structure and function outputs the following: PolyPhen-2: "Possibly Damaging". The lysine amino acid residue is found in multiple mammalian species, which suggests that this missense change does not adversely affect protein function. In summary, the available evidence is currently insufficient to determine the role of this variant in disease. Therefore, it has been classified as a Variant of Uncertain Significance.